The following is an entry in ClinVar:

NM_000057.4(BLM):c.4210C>G (p.Pro1404Ala)

Gene: BLM (BLM RecQ like helicase; plus strand). Cytogenetic location: 15q26.1.
Variant type: single nucleotide variant.
Coding change: c.4210C>G on transcript NM_000057.4 (MANE Select); coding-DNA position 4210, C replaced by G.
Protein change: p.Pro1404Ala; replaces proline 1404 with alanine.
Molecular consequence: missense variant.
Genome position (GRCh38, 1-based): chr15:90,815,235, C>G. VCF-style: chr15-90815235-C-G. GRCh37 (hg19) VCF-style: chr15-91358465-C-G.
Other names: c.4210C>G, p.Pro1404Ala (NM_001287246.2); c.3817C>G, p.Pro1273Ala (NM_001287247.2); c.3085C>G, p.Pro1029Ala (NM_001287248.2); short protein forms P1273A, P1029A, P1404A.
Identifiers: ClinVar variation 2566804 (VCV002566804.3), dbSNP rs1567069054, ClinGen allele CA393852691.

ClinVar aggregate classification (germline): Uncertain significance (1 of 4 stars; one submission).

Conditions:
Hereditary cancer-predisposing syndrome. Also called: Hereditary neoplastic syndrome; Hereditary Cancer Syndrome; Neoplastic Syndromes, Hereditary; Tumor predisposition. Identifiers: Orphanet 140162, MedGen C0027672, MeSH D009386, MONDO:0015356.

gnomAD v4.1: 1 of 1,614,186 alleles (0.000062%); highest among the groups gnomAD compares: Non-Finnish European, 0.000085%; no homozygotes.

Submission:

Ambry Genetics
Classification: Uncertain significance for Hereditary cancer-predisposing syndrome. Last evaluated: 2025-04-21. Review status: criteria provided, single submitter. Criteria: Ambry Variant Classification Scheme 2023. Collection method: clinical testing. Allele origin: germline.
Comment: The p.P1404A variant (also known as c.4210C>G), located in coding exon 21 of the BLM gene, results from a C to G substitution at nucleotide position 4210. The proline at codon 1404 is replaced by alanine, an amino acid with highly similar properties. This amino acid position is conserved. In addition, the in silico prediction for this alteration is inconclusive. Since supporting evidence is limited at this time, the clinical significance of this alteration remains unclear.